The following is an entry in ClinVar:

ClinVar aggregate classification (germline): Conflicting classifications of pathogenicity. Review status: criteria provided, conflicting classifications (1 of 4 stars). 15 submissions from 15 submitters: Uncertain significance (11); Benign (1); Likely benign (2). 1 of the submissions does not count toward it. Last evaluated 2026-06-06.

Conditions:
MUTYH-related disorder. Also called: MUTYH-related disorders; MUTYH-related condition.
Familial adenomatous polyposis 2. Also called: COLORECTAL ADENOMATOUS POLYPOSIS, AUTOSOMAL RECESSIVE; ADENOMAS, MULTIPLE COLORECTAL, AUTOSOMAL RECESSIVE; MUTYH Polyposis; MYH-associated polyposis; FAP type 2; Adenomas, multiple colorectal. Identifiers: Orphanet 220460, Orphanet 247798, MedGen C3272841, MONDO:0012041, OMIM 608456.
Pilomatrixoma (PTR). Also called: PILOMATRICOMA; EPITHELIOMA CALCIFICANS OF MALHERBE; Pilomatricoma, somatic. Identifiers: Orphanet 91414, MedGen C0206711, MeSH D018296, MONDO:0007564, OMIM 132600, HP:0030434.
Neoplasm of stomach. Also called: Neoplasm of the stomach; Stomach Neoplasms; Gastric neoplasm. Identifiers: MedGen C0038356, MONDO:0021085, HP:0006753. Disease mechanism: gain of function. Inheritance: Somatic mutation.
Hereditary cancer-predisposing syndrome. Also called: Neoplastic Syndromes, Hereditary; Tumor predisposition; Hereditary Cancer Syndrome; Hereditary neoplastic syndrome. Identifiers: Orphanet 140162, MedGen C0027672, MeSH D009386, MONDO:0015356.

Allele frequency attached by ClinVar (database versions not stated): ExAC 0.00005; gnomAD exomes 0.00006; gnomAD 0.00009 and 0.00010; TOPMed 0.00012.
gnomAD v4.1: 141 of 1,614,058 alleles (0.0087%); highest among the groups gnomAD compares: Non-Finnish European, 0.0098%; 1 homozygote.

Submissions 1 to 10 of 15:

PreventionGenetics, part of Exact Sciences
Classification: Likely benign for MUTYH-related condition. Last evaluated: 2026-06-06. Review status: criteria provided, single submitter. Criteria: ACMG Guidelines, 2015. Collection method: clinical testing. Allele origin: germline.
Comment: This variant is classified as likely benign based on ACMG/AMP sequence variant interpretation guidelines (Richards et al. 2015 PMID: 25741868, with internal and published modifications).

St. Jude Molecular Pathology, St. Jude Children's Research Hospital
Classification: Uncertain significance for Familial adenomatous polyposis 2. Last evaluated: 2026-02-20. Review status: criteria provided, single submitter. Criteria: St. Jude Assertion Criteria 2020. Collection method: clinical testing. Allele origin: germline.
Comment: The MUYTH c.1255G>A p.(Ala419Thr) missense variant has a maximum subpopulation frequency of 0.013% in gnomAD v2.1.1. The in silico tool REVEL is inconclusive about a pathogenic or benign effect of this variant on protein function, and to our knowledge functional studies have not been performed. This variant has been reported in individuals wi th colon cancer and one individual suspected of Lynch syndrome (PMID: 29212164, 25980754). In summary, the evidence currently available is insufficient to determine the clinical significance of this variant. It has therefore been classified as of uncertain significance.

Labcorp Genetics (formerly Invitae), Labcorp
Classification: Likely benign for Familial adenomatous polyposis 2. Last evaluated: 2025-12-18. Review status: criteria provided, single submitter. Criteria: Invitae Variant Classification Sherloc (09022015). Collection method: clinical testing. Allele origin: germline.

Color Diagnostics, LLC DBA Color Health
Classification: Uncertain significance for Hereditary cancer-predisposing syndrome. Last evaluated: 2025-07-08. Review status: criteria provided, single submitter. Criteria: ACMG Guidelines, 2015. Collection method: clinical testing. Allele origin: germline.
Comment: This missense variant replaces alanine with threonine at codon 419 of the MUTYH protein. Computational prediction suggests that this variant may not impact protein structure and function. To our knowledge, functional studies have not been reported for this variant. This variant has been reported in individuals affected with MUTYH-associated polyposis, colorectal cancer, glioblastoma, and suspected Lynch syndrome (PMID: 17581577, 25980754, 26689913). In a breast cancer case-control study, this variant was observed in 4/60466 cases and 3/53461 unaffected controls (PMID: 33471991). This variant has been identified in 19/282560 chromosomes in the general population by the Genome Aggregation Database (gnomAD). The available evidence is insufficient to determine the role of this variant in disease conclusively. Therefore, this variant is classified as a Variant of Uncertain Significance.

Institute for Biomarker Research, Medical Diagnostic Laboratories, L.L.C.
Classification: Uncertain significance for Hereditary cancer-predisposing syndrome. Last evaluated: 2024-11-29. Review status: criteria provided, single submitter. Criteria: ACMG Guidelines, 2015. Collection method: clinical testing. Allele origin: germline.
Comment: The missense variant NM_001128425.2(MUTYH):c.1255G>A (p.Ala419Thr) causes a change at the same amino acid residue as a previously established pathogenic variant. The p.Ala419Thr variant is observed in 16/113,578 (0.0141%) alleles from individuals of gnomAD Non Finnish European background in gnomAD. There is a small physicochemical difference between alanine and threonine, which is not likely to impact secondary protein structure as these residues share similar properties. For these reasons, this variant has been classified as Uncertain Significance.

Quest Diagnostics Nichols Institute San Juan Capistrano
Classification: Uncertain significance. Last evaluated: 2024-07-24. Review status: criteria provided, single submitter. Criteria: Quest Diagnostics criteria. Collection method: clinical testing. Allele origin: unknown.
Comment: The MUTYH c.1255G>A (p.Ala419Thr) variant has been reported in the published literature in individuals with suspected Lynch syndrome (PMID: 25980754 (2015)) and glioblastoma (PMID: 26689913 (2015)). It has also been observed in several individuals with breast cancer and in reportedly healthy individuals in a case-control study (PMID: 33471991 (2021), see also LOVD). The frequency of this variant in the general population, 0.00013 (17/129004 chromosomes (Genome Aggregation Database)), is uninformative in the assessment of its pathogenicity. Analysis of this variant using bioinformatics tools for the prediction of the effect of amino acid changes on protein structure and function yielded predictions that this variant is benign. Based on the available information, we are unable to determine the clinical significance of this variant.

GeneDx
Classification: Uncertain significance. Last evaluated: 2024-03-26. Review status: criteria provided, single submitter. Criteria: GeneDx Variant Classification Process June 2021. Collection method: clinical testing. Allele origin: germline. Affected: yes.
Comment: Not observed at significant frequency in large population cohorts (gnomAD); In silico analysis supports that this missense variant does not alter protein structure/function; Observed in individuals with Lynch-associated cancers and/or polyps, breast cancer, or glioblastoma, and also observed in control groups (PMID: 26689913, 33471991, 25980754); This variant is associated with the following publications: (PMID: 25980754, 19725997, 17581577, 17161978, 26689913, 33122805, 33471991, 23108399)

All of Us Research Program, National Institutes of Health
Classification: Uncertain significance for Familial adenomatous polyposis 2. Last evaluated: 2023-12-18. Review status: criteria provided, single submitter. Criteria: ACMG Guidelines, 2015. Collection method: clinical testing. Allele origin: germline. Inheritance: Autosomal recessive inheritance. Observed: 11 variant alleles, 11 heterozygotes.
Comment: This missense variant replaces alanine with threonine at codon 419 of the MUTYH protein. Computational prediction suggests that this variant may not impact protein structure and function (internally defined REVEL score threshold <= 0.5, PMID: 27666373). To our knowledge, functional studies have not been reported for this variant. This variant has been reported in individuals affected with MUTYH-associated polyposis, colorectal cancer, glioblastoma, and suspected Lynch syndrome (PMID: 17581577, 25980754, 26689913), This variant has been identified in 19/282560 chromosomes in the general population by the Genome Aggregation Database (gnomAD). The available evidence is insufficient to determine the role of this variant in disease conclusively. Therefore, this variant is classified as a Variant of Uncertain Significance.

This study involves interpretation of variants in research participants for the purpose of population health screening. Participant phenotype was not available at the time of variant classification. Additional details can be found in publication PMID: 35346344, PMCID: PMC8962531

Sema4
Classification: Uncertain significance for Hereditary cancer-predisposing syndrome. Last evaluated: 2021-10-08. Review status: criteria provided, single submitter. Criteria: Sema4 Curation Guidelines. Collection method: curation. Allele origin: germline.
Comment: The MUTYH c.1255G>A (p.A419T) variant has been reported in heterozygosity in an individual diagnosed with a Lynch syndrome-related cancer and/or colon polyps (PMID: 25980754) and was also identified in an individual diagnosed with a glioblastoma multiforme (PMID: 26689913). This variant has also been reported in 4/60466 breast cancer cases and 3/53461 healthy controls by a large case-control study (PMID: 33471991). It was observed in 17/129004 chromosomes of the Non-Finnish European subpopulation, with no homozygotes, in the large and broad cohorts of the Genome Aggregation Database (PMID: 32461654). The variant has been reported in ClinVar (Variation ID: 135983). Functional studies have not been performed, and in silico predictions of the variant's effect on protein function are inconclusive. The evidence is insufficient to meet ACMG/AMP criteria for classifying the variant as benign or pathogenic. Thus, the clinical significance of this variant is currently uncertain.

Ambry Genetics
Classification: Benign for Hereditary cancer-predisposing syndrome. Last evaluated: 2021-05-07. Review status: criteria provided, single submitter. Criteria: Ambry Variant Classification Scheme 2023. Collection method: clinical testing. Allele origin: germline.

NM_001048174.2(MUTYH):c.1171G>A (p.Ala391Thr)

Gene: MUTYH (mutY DNA glycosylase; minus strand). Cytogenetic location: 1p34.1.
Variant type: single nucleotide variant.
Coding change: c.1171G>A on transcript NM_001048174.2 (MANE Select); coding-DNA position 1171, G replaced by A.
Protein change: p.Ala391Thr; replaces alanine 391 with threonine.
Molecular consequence: missense variant. On other transcripts: non-coding transcript variant (2).
Genome position (GRCh38, 1-based): chr1:45,331,488, C>T on the plus strand (G>A on the coding strand, the complement: MUTYH is on the minus strand). VCF-style: chr1-45331488-C-T. GRCh37 (hg19) VCF-style: chr1-45797160-C-T.
Other names: c.1171G>A, p.Ala391Thr (NM_001048171.2, NM_001048173.2, NM_001293195.2); c.1174G>A, p.Ala392Thr (NM_001048172.2); c.1255G>A, p.Ala419Thr (NM_001128425.2); c.1216G>A, p.Ala406Thr (NM_001293190.2); c.1204G>A, p.Ala402Thr (NM_001293191.2); c.895G>A, p.Ala299Thr (NM_001293192.2, NM_001293196.2); c.826G>A, p.Ala276Thr (NM_001350650.2, NM_001350651.2); c.1246G>A, p.Ala416Thr (NM_012222.3); short protein forms A419T, A405T, A406T, A299T, A391T, A416T, A276T, A392T.
Identifiers: ClinVar variation 135983 (VCV000135983.41), dbSNP rs587780744, ClinGen allele CA012424.